The following is an entry in ClinVar:

ClinVar aggregate classification (germline): Uncertain significance (1 of 4 stars; one submission).

Conditions:
Inborn genetic diseases. Identifiers: MedGen C0950123, MeSH D030342.

Submission:

Ambry Genetics
Classification: Uncertain significance for Inborn genetic diseases. Last evaluated: 2025-08-06. Review status: criteria provided, single submitter. Criteria: Ambry Variant Classification Scheme 2023. Collection method: clinical testing. Allele origin: germline.
Comment: The p.A199G variant (also known as c.596C>G), located in coding exon 2 of the MEFV gene, results from a C to G substitution at nucleotide position 596. The alanine at codon 199 is replaced by glycine, an amino acid with similar properties. This amino acid position is conserved. In addition, in silico predictors for this gene do not accurately predict pathogenicity. Based on the available evidence, the clinical significance of this variant remains unclear.

NM_000243.3(MEFV):c.596C>G (p.Ala199Gly)

Gene: MEFV (MEFV innate immunity regulator, pyrin; minus strand). Cytogenetic location: 16p13.3.
Variant type: single nucleotide variant.
Coding change: c.596C>G on transcript NM_000243.3 (MANE Select); coding-DNA position 596, C replaced by G.
Protein change: p.Ala199Gly; replaces alanine 199 with glycine.
Molecular consequence: missense variant. On other transcripts: intron variant (1).
Genome position (GRCh38, 1-based): chr16:3,254,472, G>C on the plus strand (C>G on the coding strand, the complement: MEFV is on the minus strand). VCF-style: chr16-3254472-G-C. GRCh37 (hg19) VCF-style: chr16-3304472-G-C.
Other names: c.277+1839C>G (NM_001198536.2); short protein forms A199G.
Identifiers: ClinVar variation 4106313 (VCV004106313.1).
Genomic context (GRCh38, chr16:3,254,472, plus strand): 5'-CCCCCCGCCAGCCCCTGCAGCCTCCCCGCGGAGCTGGCGTTTCTGCGCAGCCGGACCTCG[G>C]CCTGGCCCCCCTCTAGCGCCCTGCAGGGGCCGGGGCTTCTCCCGCCCGGCAGGGCCGGGC-3'
Protein context (NP_000234.1, residues 189-209): GPCRALEGGQ[Ala199Gly]EVRLRRNASS